The following is an entry in ClinVar:

ClinVar aggregate classification (germline): Likely benign (0 of 4 stars; one submission).

Conditions:
STXBP2-related disorder. Also called: STXBP2-related condition.

Submission:

PreventionGenetics, part of Exact Sciences
Classification: Likely benign for STXBP2-related condition. Last evaluated: 2020-01-22. Review status: no assertion criteria provided. Collection method: clinical testing. Allele origin: germline.
Comment: This variant is classified as likely benign based on ACMG/AMP sequence variant interpretation guidelines (Richards et al. 2015 PMID: 25741868, with internal and published modifications).

NM_006949.4(STXBP2):c.578+8_578+9insGCC

Gene: STXBP2 (syntaxin binding protein 2; plus strand). Cytogenetic location: 19p13.2.
Variant type: Insertion.
Coding change: c.578+8_578+9insGCC on transcript NM_006949.4 (MANE Select); bases 8 to 9 of the intron after coding-DNA position 578, GCC inserted.
Molecular consequence: intron variant.
Genome position: GRCh38 VCF-style: chr19-7641860-A-ACGC. GRCh37 (hg19) VCF-style: chr19-7706746-A-ACGC.
Other names: c.482+8_482+9insGCC (NM_001414484.1); c.611+8_611+9insGCC (NM_001272034.2); c.569+8_569+9insGCC (NM_001127396.3).
Identifiers: ClinVar variation 3041552 (VCV003041552.2), dbSNP rs2512695895, ClinGen allele CA2587975139.